The following is an entry in ClinVar:

ClinVar aggregate classification (germline): Conflicting classifications of pathogenicity. Review status: criteria provided, conflicting classifications (1 of 4 stars). 3 submissions from 3 submitters: Uncertain significance (2); Likely benign (1). Last evaluated 2026-02-19.

Conditions:
Cardiovascular phenotype. Identifiers: MedGen CN230736.

Allele frequency attached by ClinVar (database versions not stated): gnomAD exomes below 0.00001; gnomAD 0.00001; TOPMed 0.00002.
gnomAD v4.1: 11 of 1,550,188 alleles (0.00071%); highest among the groups gnomAD compares: Non-Finnish European, 0.00061%; no homozygotes.

Submissions (3):

GeneDx
Classification: Uncertain significance. Last evaluated: 2026-02-19. Review status: criteria provided, single submitter. Criteria: GeneDx Variant Classification Process June 2021. Collection method: clinical testing. Allele origin: germline.
Comment: Not observed at significant frequency in large population cohorts (gnomAD); In silico analysis suggests that this missense variant does not alter protein structure/function; Has not been previously published as pathogenic or benign to our knowledge

Ambry Genetics
Classification: Likely benign for Cardiovascular phenotype. Last evaluated: 2025-01-21. Review status: criteria provided, single submitter. Criteria: Ambry Variant Classification Scheme 2023. Collection method: clinical testing. Allele origin: germline.

Labcorp Genetics (formerly Invitae), Labcorp
Classification: Uncertain significance. Last evaluated: 2021-08-15. Review status: criteria provided, single submitter. Criteria: Invitae Variant Classification Sherloc (09022015). Collection method: clinical testing. Allele origin: germline.
Comment: This sequence change replaces glycine with arginine at codon 2353 of the ZNF469 protein (p.Gly2353Arg). The glycine residue is moderately conserved and there is a moderate physicochemical difference between glycine and arginine. This variant is not present in population databases (ExAC no frequency). This variant has not been reported in the literature in individuals affected with ZNF469-related conditions. Algorithms developed to predict the effect of missense changes on protein structure and function output the following: SIFT: "Deleterious"; PolyPhen-2: "Possibly Damaging"; Align-GVGD: "Class C0". The arginine amino acid residue is found in multiple mammalian species, which suggests that this missense change does not adversely affect protein function. In summary, the available evidence is currently insufficient to determine the role of this variant in disease. Therefore, it has been classified as a Variant of Uncertain Significance.

NM_001367624.2(ZNF469):c.7141G>A (p.Gly2381Arg)

Gene: ZNF469 (zinc finger protein 469; plus strand). Cytogenetic location: 16q24.2.
Variant type: single nucleotide variant.
Coding change: c.7141G>A on transcript NM_001367624.2 (MANE Select); coding-DNA position 7141, G replaced by A.
Protein change: p.Gly2381Arg; replaces glycine 2381 with arginine.
Molecular consequence: missense variant.
Genome position (GRCh38, 1-based): chr16:88,434,611, G>A. VCF-style: chr16-88434611-G-A. GRCh37 (hg19) VCF-style: chr16-88501019-G-A.
Other names: NM_001127464.1:c.7057G>A; short protein forms G2381R.
Identifiers: ClinVar variation 1503035 (VCV001503035.8), dbSNP rs1367736540, ClinGen allele CA397108636.